The following is an entry in ClinVar:

ClinVar aggregate classification (germline): Benign. Review status: criteria provided, multiple submitters, no conflicts (2 of 4 stars). 12 submissions from 10 submitters: Benign (9). 3 of the submissions do not count toward it. Last evaluated 2026-02-04.

Conditions:
Salla disease (SD). Also called: Sialuria, Finnish type; N-acetylneuraminic acid (NANA) storage disease (NSD); Infantile sialic acid storage disorder (ISSD); Less Severe FSASD (Salla Disease). Identifiers: Orphanet 309334, Orphanet 834, MedGen C1096903, MONDO:0011449, OMIM 604369.
Sialic acid storage disease, severe infantile type (ISSD). Also called: Infantile Sialic Acid Storage Disease; N-ACETYLNEURAMINIC ACID STORAGE DISEASE; NANA STORAGE DISEASE; SIALURIA, INFANTILE FORM; Free sialic acid storage disease, infantile form; INFANTILE SIALIC ACID STORAGE DISORDER. Identifiers: Orphanet 309324, Orphanet 834, MedGen C1096902, MONDO:0010027, OMIM 269920.

Allele frequency attached by ClinVar (database versions not stated): gnomAD exomes 0.07852 and 0.09881; gnomAD 0.10735 and 0.10691; 1000 Genomes Project 0.13319; ESP Exome Variant Server 0.10195; ExAC 0.09796; TOPMed 0.11711; 1000 Genomes Project 30x 0.13616.
gnomAD v4.1: 132,243 of 1,613,430 alleles (8.2%); highest among the groups gnomAD compares: Middle Eastern, 18%; 6,490 homozygotes.

Submissions (12):

Labcorp Genetics (formerly Invitae), Labcorp
Classification: Benign for Salla disease. Last evaluated: 2026-02-04. Review status: criteria provided, single submitter. Criteria: Invitae Variant Classification Sherloc (09022015). Collection method: clinical testing. Allele origin: germline.

Genome-Nilou Lab
Classification: Benign for Salla disease. Last evaluated: 2021-07-10. Review status: criteria provided, single submitter. Criteria: ACMG Guidelines, 2015. Collection method: clinical testing. Allele origin: germline. Affected: no.

Genome-Nilou Lab
Classification: Benign for Sialic acid storage disease, severe infantile type. Last evaluated: 2021-07-10. Review status: criteria provided, single submitter. Criteria: ACMG Guidelines, 2015. Collection method: clinical testing. Allele origin: germline. Affected: no.

Illumina Laboratory Services, Illumina
Classification: Benign for Sialic acid storage disease, severe infantile type. Last evaluated: 2018-01-12. Review status: criteria provided, single submitter. Criteria: ICSL Variant Classification Criteria 13 December 2019. Collection method: clinical testing. Allele origin: germline.
Comment: This variant was observed in the ICSL laboratory as part of a predisposition screen in an ostensibly healthy population. It had not been previously curated by ICSL or reported in the Human Gene Mutation Database (HGMD: prior to June 1st, 2018), and was therefore a candidate for classification through an automated scoring system. Utilizing variant allele frequency, disease prevalence and penetrance estimates, and inheritance mode, an automated score was calculated to assess if this variant is too frequent to cause the disease. Based on the score and internal cut-off values, a variant classified as benign is not then subjected to further curation. The score for this variant resulted in a classification of benign for this disease.

Illumina Laboratory Services, Illumina
Classification: Benign for Salla disease. Last evaluated: 2018-01-12. Review status: criteria provided, single submitter. Criteria: ICSL Variant Classification Criteria 13 December 2019. Collection method: clinical testing. Allele origin: germline.
Comment: the same text as in the submission from Illumina Laboratory Services, Illumina above.

Women's Health and Genetics/Laboratory Corporation of America, LabCorp
Classification: Benign. Last evaluated: 2017-02-08. Review status: criteria provided, single submitter. Criteria: LabCorp Variant Classification Summary - May 2015. Collection method: clinical testing. Allele origin: germline.
Comment: Variant summary: The SLC17A5 c.246G>A (p.Ala82Ala) variant involves the alteration of a non-conserved nucleotide, resulting in a synonymous change. One in silico tool predicts a polymorphism outcome for this variant. 5/5 splice prediction tools predict no significant impact on normal splicing. However, these predictions have yet to be confirmed by functional studies. This variant was found in 11883/121310 control chromosomes (671 homozygotes) at a frequency of 0.0979557, which is approximately 41 times the estimated maximal expected allele frequency of a pathogenic SLC17A5 variant (0.0023717), strong evidence that this variant is a benign polymorphism. In addition, multiple clinical diagnostic laboratories/reputable databases classified this variant as benign. The variant of interest has not, to our knowledge, been reported in affected individuals via publications nor evaluated for functional impact by in vivo/vitro studies. Due to the synonymous nature of the variant, the lack of predicted effect on splicing and the high frequency in the contol population, this variant is classified as benign.

GeneDx
Classification: Benign. Last evaluated: 2015-11-09. Review status: criteria provided, single submitter. Criteria: GeneDx Variant Classification (06012015). Collection method: clinical testing. Allele origin: germline. Affected: yes.
Comment: This variant is considered likely benign or benign based on one or more of the following criteria: it is a conservative change, it occurs at a poorly conserved position in the protein, it is predicted to be benign by multiple in silico algorithms, and/or has population frequency not consistent with disease.

Eurofins Ntd Llc (ga)
Classification: Benign. Last evaluated: 2013-12-11. Review status: criteria provided, single submitter. Criteria: EGL Classification Definitions 2015. Collection method: clinical testing. Allele origin: germline. Observed: 1 variant allele, 1 heterozygote.

PreventionGenetics, part of Exact Sciences
Classification: Benign. Review status: criteria provided, single submitter. Criteria: ACMG Guidelines, 2015. Collection method: clinical testing. Allele origin: germline.

Natera, Inc.
Classification: Benign for Salla disease. Last evaluated: 2020-09-16. Review status: no assertion criteria provided. Collection method: clinical testing. Allele origin: germline. Not counted in ClinVar's aggregate classification.

Mayo Clinic Laboratories, Mayo Clinic
Classification: Benign. Last evaluated: 2017-04-19. Review status: no assertion criteria provided. Collection method: clinical testing. Allele origin: unknown. Not counted in ClinVar's aggregate classification.

Genetic Services Laboratory, University of Chicago
Classification: Likely benign for AllHighlyPenetrant. Review status: no assertion criteria provided. Collection method: clinical testing. Allele origin: germline. Inheritance: Autosomal recessive inheritance. Not counted in ClinVar's aggregate classification.
Comment: Likely benign based on allele frequency in 1000 Genomes Project or ESP global frequency and its presence in a patient with a rare or unrelated disease phenotype. NOT Sanger confirmed.

NM_012434.5(SLC17A5):c.246G>A (p.Ala82=)

Gene: SLC17A5 (solute carrier family 17 member 5; minus strand). Cytogenetic location: 6q13.
Variant type: single nucleotide variant.
Coding change: c.246G>A on transcript NM_012434.5 (MANE Select); coding-DNA position 246, G replaced by A.
Protein change: p.Ala82=; no amino-acid change (alanine 82 retained).
Molecular consequence: synonymous variant.
Genome position (GRCh38, 1-based): chr6:73,644,452, C>T on the plus strand (G>A on the coding strand, the complement: SLC17A5 is on the minus strand). VCF-style: chr6-73644452-C-T. GRCh37 (hg19) VCF-style: chr6-74354175-C-T.
Identifiers: ClinVar variation 130316 (VCV000130316.26), dbSNP rs472294, ClinGen allele CA155210.